The following is an entry in ClinVar:

NM_000784.4(CYP27A1):c.171_205dup (p.Phe69Ter)

Gene: CYP27A1 (cytochrome P450 family 27 subfamily A member 1; plus strand). Cytogenetic location: 2q35.
Variant type: Duplication.
Coding change: c.171_205dup on transcript NM_000784.4 (MANE Select); coding-DNA positions 171 to 205, 35 bases duplicated.
Protein change: p.Phe69Ter; replaces phenylalanine 69 with a stop codon.
Molecular consequence: nonsense.
Genome position (GRCh38, 1-based): chr2:218,782,353-218,782,387, 35 bases duplicated; duplicating any 35 consecutive bases within chr2:218,782,352-218,782,387 gives the same sequence; the c. name uses the placement nearest the transcript's 3' end. GRCh37 (hg19): chr2:219,647,076-219,647,110.
Other names: short protein forms F69*.
Identifiers: ClinVar variation 4854988 (VCV004854988.1).

ClinVar aggregate classification (germline): Likely pathogenic (1 of 4 stars; one submission).

Conditions:
Cholestanol storage disease (CTX). Also called: Cerebrotendinous Xanthomatosis; CTX: Cerebrotendinous xanthomatosis; CEREBRAL CHOLESTERINOSIS. Identifiers: Orphanet 909, MedGen C0238052, MONDO:0008948, OMIM 213700.

Submission:

3billion
Classification: Likely pathogenic for Cholestanol storage disease. Last evaluated: 2026-01-16. Review status: criteria provided, single submitter. Criteria: ACMG Guidelines, 2015. Collection method: clinical testing. Allele origin: germline. Affected: yes.
Comment: The variant is not observed in the gnomAD v4.1.0 dataset. Predicted Consequence/Location: Stop-gained (nonsense): predicted to result in a loss or disruption of normal protein function through nonsense-mediated decay (NMD) or protein truncation. Multiple pathogenic variants are reported downstream of the variant. Therefore, this variant is classified as Likely pathogenic according to the recommendation of ACMG/AMP guideline.